The following is an entry in ClinVar:

NM_015001.3(SPEN):c.1454A>T (p.Asp485Val)

Gene: SPEN (spen family transcriptional repressor; plus strand). Cytogenetic location: 1p36.13.
Variant type: single nucleotide variant.
Coding change: c.1454A>T on transcript NM_015001.3 (MANE Select); coding-DNA position 1454, A replaced by T.
Protein change: p.Asp485Val; replaces aspartic acid 485 with valine.
Molecular consequence: missense variant.
Genome position (GRCh38, 1-based): chr1:15,918,984, A>T. VCF-style: chr1-15918984-A-T. GRCh37 (hg19) VCF-style: chr1-16245479-A-T.
Other names: short protein forms D485V.
Identifiers: ClinVar variation 3369610 (VCV003369610.1).
Genomic context (GRCh38, chr1:15,918,984, plus strand): 5'-AGGATATTGACATTAAGAAAGTAAATGGAGTTCCTCAGTATGCGTTTCTGCAATACTGTG[A>T]TATTGCTAGCGTTTGTAAAGCTATTAAGAAGATGGATGGGGAATATCTTGGAAATAATCG-3'
Protein context (NP_055816.2, residues 475-495): VPQYAFLQYC[Asp485Val]IASVCKAIKK

ClinVar aggregate classification (germline): Uncertain significance (1 of 4 stars; one submission).

Submission:

GeneDx
Classification: Uncertain significance. Last evaluated: 2024-02-21. Review status: criteria provided, single submitter. Criteria: GeneDx Variant Classification Process June 2021. Collection method: clinical testing. Allele origin: germline. Affected: yes.
Comment: Not observed at significant frequency in large population cohorts (gnomAD); In silico analysis supports that this missense variant has a deleterious effect on protein structure/function; Has not been previously published as pathogenic or benign to our knowledge